The following is an entry in ClinVar:

NM_024675.4(PALB2):c.20dup (p.Pro8fs)

Gene: PALB2 (partner and localizer of BRCA2; minus strand). Cytogenetic location: 16p12.2.
Variant type: Duplication.
Coding change: c.20dup on transcript NM_024675.4 (MANE Select); coding-DNA position 20, one base duplicated (A; older notation c.20dupA).
Protein change: p.Pro8fs; shifts the reading frame from proline 8.
Molecular consequence: frameshift variant. On other transcripts: 5 prime UTR variant (10).
Genome position (GRCh38, 1-based): chr16:23,641,138, T duplicated on the plus strand (A on the coding strand, the reverse complement: PALB2 is on the minus strand); the first of 2 consecutive T bases (chr16:23,641,138-23,641,139); duplicating either gives the same sequence. VCF-style (leftmost placement, unchanged base first): chr16-23641137-C-CT. GRCh37 (hg19) VCF-style: chr16-23652458-C-CT.
Other names: c.20dup, p.Pro8fs (NM_001407296.1, NM_001407297.1, NM_001407298.1 and 5 more transcripts); c.-1724dup (NM_001407304.1, NM_001407310.1); c.-1000dup (NM_001407305.1, NM_001407307.1, NM_001407309.1 and 1 more transcripts); c.-849dup (NM_001407306.1, NM_001407308.1); c.-133dup (NM_001407312.1, NM_001407313.1); short protein forms P8fs.
Identifiers: ClinVar variation 2674170 (VCV002674170.1), dbSNP rs2506572755, ClinGen allele CA2695197622.

ClinVar aggregate classification (germline): Pathogenic (1 of 4 stars; one submission).

Conditions:
Familial cancer of breast. Also called: Hereditary breast cancer; BREAST CANCER, FAMILIAL; hereditary breast carcinoma. Identifiers: Orphanet 227535, MedGen C0346153, MONDO:0016419, OMIM 114480. Disease mechanism: loss of function.

Submission:

Myriad Genetics, Inc.
Classification: Pathogenic for Familial cancer of breast. Last evaluated: 2023-09-05. Review status: criteria provided, single submitter. Criteria: Myriad Autosomal Dominant, Autosomal Recessive and X-Linked Classification Criteria (2023). Collection method: clinical testing. Allele origin: unknown.
Comment: This variant is considered pathogenic. This variant creates a frameshift predicted to result in premature protein truncation.